The following is an entry in ClinVar:

ClinVar aggregate classification (germline): Pathogenic/Likely pathogenic. Review status: criteria provided, multiple submitters, no conflicts (2 of 4 stars). 6 submissions from 6 submitters: Pathogenic (1); Likely pathogenic (3). 2 of the submissions do not count toward it. Last evaluated 2024-11-26.

Conditions:
NAGLU-related disorder. Also called: NAGLU-related condition.
Charcot-Marie-Tooth disease axonal type 2V. Also called: CHARCOT-MARIE-TOOTH NEUROPATHY, TYPE 2V; CHARCOT-MARIE-TOOTH DISEASE, AXONAL, AUTOSOMAL DOMINANT, TYPE 2V. Identifiers: Orphanet 447964, MedGen C5569050, MONDO:0014665, OMIM 616491.
Mucopolysaccharidosis, MPS-III-B (MPS3B). Also called: SANFILIPPO SYNDROME B; MPS III B; N-ACETYL-ALPHA-D-GLUCOSAMINIDASE DEFICIENCY; NAGLU DEFICIENCY; MUCOPOLYSACCHARIDOSIS, TYPE IIIB; MPS IIIB (Sanfilippo Syndrome Type B). Identifiers: Orphanet 79270, MedGen C0086648, MONDO:0009656, OMIM 252920.

Allele frequency attached by ClinVar (database versions not stated): gnomAD 0.00001; TOPMed 0.00001; gnomAD exomes 0.00001.
gnomAD v4.1: 7 of 1,614,110 alleles (0.00043%); highest among the groups gnomAD compares: Non-Finnish European, 0.00059%; no homozygotes.

Submissions (6):

GeneDx
Classification: Likely pathogenic. Last evaluated: 2024-11-26. Review status: criteria provided, single submitter. Criteria: GeneDx Variant Classification Process June 2021. Collection method: clinical testing. Allele origin: germline. Affected: yes.
Comment: Observed in heterozygous state in multiple affected individuals from a single family with late-onset painful sensory neuropathy, suggesting possible autosomal dominant inheritance. Further research is necessary to clarify this association (PMID: 25818867); Not observed at significant frequency in large population cohorts (gnomAD); In silico analysis supports that this missense variant has a deleterious effect on protein structure/function; This variant is associated with the following publications: (PMID: Michael2016[Article], 20852935, 36648562, 25818867, 36738734)

Blueprint Genetics
Classification: Likely pathogenic for NAGLU-related disorders. Last evaluated: 2024-06-12. Review status: criteria provided, single submitter. Criteria: ACMG Guidelines, 2015. Collection method: clinical testing. Allele origin: germline. Affected: yes. Observed: 3 variant alleles.

Labcorp Genetics (formerly Invitae), Labcorp
Classification: Likely pathogenic for Charcot-Marie-Tooth disease axonal type 2V; Mucopolysaccharidosis, MPS-III-B. Last evaluated: 2024-03-21. Review status: criteria provided, single submitter. Criteria: Invitae Variant Classification Sherloc (09022015). Collection method: clinical testing. Allele origin: germline.
Comment: This sequence change replaces isoleucine, which is neutral and non-polar, with threonine, which is neutral and polar, at codon 403 of the NAGLU protein (p.Ile403Thr). This variant is present in population databases (rs796052122, gnomAD 0.002%). This missense change has been observed in individual(s) with autosomal dominant neuropathy and/or autosomal recessive mucopolysaccharidosis type III (PMID: 20852935, 25818867). ClinVar contains an entry for this variant (Variation ID: 204585). Advanced modeling of protein sequence and biophysical properties (such as structural, functional, and spatial information, amino acid conservation, physicochemical variation, residue mobility, and thermodynamic stability) performed at Invitae indicates that this missense variant is expected to disrupt NAGLU protein function with a positive predictive value of 95%. In summary, the currently available evidence indicates that the variant is pathogenic, but additional data are needed to prove that conclusively. Therefore, this variant has been classified as Likely Pathogenic.

Women's Health and Genetics/Laboratory Corporation of America, LabCorp
Classification: Pathogenic for Mucopolysaccharidosis, MPS-III-B. Last evaluated: 2023-11-10. Review status: criteria provided, single submitter. Criteria: LabCorp Variant Classification Summary - May 2015. Collection method: clinical testing. Allele origin: germline.
Comment: Variant summary: NAGLU c.1208T>C (p.Ile403Thr) results in a non-conservative amino acid change located in the Alpha-N-acetylglucosaminidase, tim-barrel domain (IPR024733) of the encoded protein sequence. Five of five in-silico tools predict a damaging effect of the variant on protein function. The variant allele was found at a frequency of 8e-06 in 251378 control chromosomes (gnomAD). c.1208T>C has been reported in the literature in an individual affected with Mucopolysaccharidosis Type IIIB (Sanfilippo Syndrome B) who was reported as compound heterozygous with another pathogenic variant (Valstar_2010). It was also to segregate in a large family with an autosomal dominant late-onset painful axonal neuropathy (Tetreault_2015), and the individuals with the variant had significantly lower NAGLU enzymatic activity in leukocytes than the family members with the wild type allele. These data indicate that the variant is very likely to be associated with disease. The following publications have been ascertained in the context of this evaluation (PMID: 20852935, 25818867). Four submitters have cited clinical-significance assessments for this variant to ClinVar after 2014, three of which provided an interpretation. All three of these submitters classified the variant as pathogenic/likely pathogenic. Based on the evidence outlined above, the variant was classified as pathogenic.

ClinVar Staff, National Center for Biotechnology Information (NCBI)
No classification provided. Condition: Charcot-Marie-Tooth disease axonal type 2V. Last evaluated: 2016-03-24. Review status: no classification provided. Collection method: literature only. Allele origin: germline. Not counted in ClinVar's aggregate classification.
Comment: This SCV is no longer cited in the GeneReview (NBK1285).

OMIM
Classification: Pathogenic for CHARCOT-MARIE-TOOTH DISEASE, AXONAL, TYPE 2V (1 family). Last evaluated: 2015-06-01. Review status: no assertion criteria provided. Collection method: literature only. Allele origin: germline. Not counted in ClinVar's aggregate classification.

Literature cited by the submitters: PubMed 20852935 (cited by Labcorp Genetics (formerly Invitae), Labcorp and Women's Health and Genetics/Laboratory Corporation of America, LabCorp); PubMed 25818867 (cited by 4 submitters).

NM_000263.4(NAGLU):c.1208T>C (p.Ile403Thr)

Gene: NAGLU (N-acetyl-alpha-glucosaminidase; plus strand). Cytogenetic location: 17q21.2.
Variant type: single nucleotide variant.
Coding change: c.1208T>C on transcript NM_000263.4 (MANE Select); coding-DNA position 1208, T replaced by C.
Protein change: p.Ile403Thr; replaces isoleucine 403 with threonine.
Molecular consequence: missense variant.
Genome position (GRCh38, 1-based): chr17:42,543,214, T>C. VCF-style: chr17-42543214-T-C. GRCh37 (hg19) VCF-style: chr17-40695232-T-C.
Other names: short protein forms I403T.
Identifiers: ClinVar variation 204585 (VCV000204585.16), dbSNP rs796052122, ClinGen allele CA250326.